The following is an entry in ClinVar:

ClinVar aggregate classification (germline): Uncertain significance (1 of 4 stars; one submission).

Conditions:
Kleefstra syndrome 1 (KLEFS1). Identifiers: Orphanet 261494, MedGen C0795833, MONDO:0027407, OMIM 610253.

Submission:

Labcorp Genetics (formerly Invitae), Labcorp
Classification: Uncertain significance for Kleefstra syndrome 1. Last evaluated: 2025-05-18. Review status: criteria provided, single submitter. Criteria: Invitae Variant Classification Sherloc (09022015). Collection method: clinical testing. Allele origin: germline.
Comment: This sequence change replaces serine, which is neutral and polar, with leucine, which is neutral and non-polar, at codon 803 of the EHMT1 protein (p.Ser803Leu). This variant is not present in population databases (gnomAD no frequency). This variant has not been reported in the literature in individuals affected with EHMT1-related conditions. Invitae Evidence Modeling of protein sequence and biophysical properties (such as structural, functional, and spatial information, amino acid conservation, physicochemical variation, residue mobility, and thermodynamic stability) indicates that this missense variant is not expected to disrupt EHMT1 protein function with a negative predictive value of 80%. In summary, the available evidence is currently insufficient to determine the role of this variant in disease. Therefore, it has been classified as a Variant of Uncertain Significance.

NM_024757.5(EHMT1):c.2408C>T (p.Ser803Leu)

Gene: EHMT1 (euchromatic histone lysine methyltransferase 1; plus strand). Cytogenetic location: 9q34.3.
Variant type: single nucleotide variant.
Coding change: c.2408C>T on transcript NM_024757.5 (MANE Select); coding-DNA position 2408, C replaced by T.
Protein change: p.Ser803Leu; replaces serine 803 with leucine.
Molecular consequence: missense variant.
Genome position (GRCh38, 1-based): chr9:137,790,873, C>T. VCF-style: chr9-137790873-C-T. GRCh37 (hg19) VCF-style: chr9-140685325-C-T.
Other names: c.2315C>T, p.Ser772Leu (NM_001354259.2); c.2387C>T, p.Ser796Leu (NM_001354263.2); short protein forms S796L, S772L, S803L.
Identifiers: ClinVar variation 4740449 (VCV004740449.1).